The following is an entry in ClinVar:

NM_153033.5(KCTD7):c.698G>A (p.Gly233Glu)

Gene: KCTD7 (potassium channel tetramerization domain containing 7; plus strand). Cytogenetic location: 7q11.21.
Variant type: single nucleotide variant.
Coding change: c.698G>A on transcript NM_153033.5 (MANE Select); coding-DNA position 698, G replaced by A.
Protein change: p.Gly233Glu; replaces glycine 233 with glutamic acid.
Molecular consequence: missense variant.
Genome position (GRCh38, 1-based): chr7:66,639,060, G>A. VCF-style: chr7-66639060-G-A. GRCh37 (hg19) VCF-style: chr7-66104047-G-A.
Other names: c.698G>A, p.Gly233Glu (NM_001167961.2); short protein forms G233E.
Identifiers: ClinVar variation 1054231 (VCV001054231.9), dbSNP rs2116775521, ClinGen allele CA367697287.

ClinVar aggregate classification (germline): Uncertain significance (1 of 4 stars; one submission).

Conditions:
Progressive myoclonic epilepsy type 3. Also called: EPILEPSY, PROGRESSIVE MYOCLONIC, 3, WITH OR WITHOUT INTRACELLULAR INCLUSIONS; CEROID LIPOFUSCINOSIS, NEURONAL, 14; EPILEPSY, PROGRESSIVE MYOCLONIC, 3, WITHOUT INTRACELLULAR INCLUSIONS; KCTD7-Related Progressive Myoclonic Epilepsy. Identifiers: Orphanet 263516, MedGen C2673257, MONDO:0012721, OMIM 611726.

Submission:

Labcorp Genetics (formerly Invitae), Labcorp
Classification: Uncertain significance for Progressive myoclonic epilepsy type 3. Last evaluated: 2022-01-14. Review status: criteria provided, single submitter. Criteria: Invitae Variant Classification Sherloc (09022015). Collection method: clinical testing. Allele origin: germline.
Comment: In summary, the available evidence is currently insufficient to determine the role of this variant in disease. Therefore, it has been classified as a Variant of Uncertain Significance. Algorithms developed to predict the effect of missense changes on protein structure and function (SIFT, PolyPhen-2, Align-GVGD) all suggest that this variant is likely to be disruptive. ClinVar contains an entry for this variant (Variation ID: 1054231). This variant has not been reported in the literature in individuals affected with KCTD7-related conditions. This variant is not present in population databases (gnomAD no frequency). This sequence change replaces glycine, which is neutral and non-polar, with glutamic acid, which is acidic and polar, at codon 233 of the KCTD7 protein (p.Gly233Glu).